The following is an entry in ClinVar:

NM_006059.4(LAMC3):c.1630+5C>G

Gene: LAMC3 (laminin subunit gamma 3; plus strand). Cytogenetic location: 9q34.12.
Variant type: single nucleotide variant.
Coding change: c.1630+5C>G on transcript NM_006059.4 (MANE Select); 5 bases into the intron after coding-DNA position 1630, C replaced by G.
Molecular consequence: intron variant.
Genome position (GRCh38, 1-based): chr9:131,049,135, C>G. VCF-style: chr9-131049135-C-G. GRCh37 (hg19) VCF-style: chr9-133924522-C-G.
Identifiers: ClinVar variation 199119 (VCV000199119.19), dbSNP rs184221540, ClinGen allele CA203761.

ClinVar aggregate classification (germline): Benign/Likely benign. Review status: criteria provided, multiple submitters, no conflicts (2 of 4 stars). 5 submissions from 5 submitters: Benign (3); Likely benign (1). 1 of the submissions does not count toward it. Last evaluated 2026-02-03.

Conditions:
LAMC3-related disorder. Also called: LAMC3-related condition.

Allele frequency attached by ClinVar (database versions not stated): ESP Exome Variant Server 0.00025; ExAC 0.00059; gnomAD 0.00178 and 0.00190; 1000 Genomes Project 0.00300; 1000 Genomes Project 30x 0.00312; TOPMed 0.00434.
gnomAD v4.1: 2,016 of 1,526,112 alleles (0.13%); highest among the groups gnomAD compares: Admixed American, 3.6%; 47 homozygotes.

Submissions (5):

Labcorp Genetics (formerly Invitae), Labcorp
Classification: Benign. Last evaluated: 2026-02-03. Review status: criteria provided, single submitter. Criteria: Invitae Variant Classification Sherloc (09022015). Collection method: clinical testing. Allele origin: germline.

Center for Pediatric Genomic Medicine, Children's Mercy Hospital and Clinics
Classification: Likely benign. Last evaluated: 2016-11-28. Review status: criteria provided, single submitter. Criteria: ACMG Guidelines, 2015. Collection method: clinical testing. Allele origin: germline.
ClinVar note: Converted during submission from Likely Benign to Likely benign.

GeneDx
Classification: Benign. Last evaluated: 2015-06-24. Review status: criteria provided, single submitter. Criteria: GeneDx Variant Classification (06012015). Collection method: clinical testing. Allele origin: germline. Affected: yes.
Comment: This variant is considered likely benign or benign based on one or more of the following criteria: it is a conservative change, it occurs at a poorly conserved position in the protein, it is predicted to be benign by multiple in silico algorithms, and/or has population frequency not consistent with disease.

Eurofins Ntd Llc (ga)
Classification: Benign. Last evaluated: 2015-05-13. Review status: criteria provided, single submitter. Criteria: EGL Classification Definitions 2015. Collection method: clinical testing. Allele origin: germline. Observed: 1 variant allele, 1 heterozygote.

PreventionGenetics, part of Exact Sciences
Classification: Benign for LAMC3-related condition. Last evaluated: 2019-05-10. Review status: no assertion criteria provided. Collection method: clinical testing. Allele origin: germline. Not counted in ClinVar's aggregate classification.
Comment: This variant is classified as benign based on ACMG/AMP sequence variant interpretation guidelines (Richards et al. 2015 PMID: 25741868, with internal and published modifications).